The following is an entry in ClinVar:

ClinVar aggregate classification (germline): Uncertain significance (1 of 4 stars; one submission).

gnomAD v4.1: 9 of 1,612,768 alleles (0.00056%); no homozygotes.

Submission:

GeneDx
Classification: Uncertain significance. Last evaluated: 2026-02-03. Review status: criteria provided, single submitter. Criteria: GeneDx Variant Classification Process June 2021. Collection method: clinical testing. Allele origin: germline.
Comment: Not observed at significant frequency in large population cohorts (gnomAD); In silico analysis supports that this missense variant has a deleterious effect on protein structure/function; Has not been previously published as pathogenic or benign to our knowledge

NM_080680.3(COL11A2):c.3979G>T (p.Gly1327Cys)

Gene: COL11A2 (collagen type XI alpha 2 chain; minus strand). Cytogenetic location: 6p21.32.
Variant type: single nucleotide variant.
Coding change: c.3979G>T on transcript NM_080680.3 (MANE Select); coding-DNA position 3979, G replaced by T.
Protein change: p.Gly1327Cys; replaces glycine 1327 with cysteine.
Molecular consequence: missense variant.
Genome position (GRCh38, 1-based): chr6:33,167,834, C>A on the plus strand (G>T on the coding strand, the complement: COL11A2 is on the minus strand). VCF-style: chr6-33167834-C-A. GRCh37 (hg19) VCF-style: chr6-33135611-C-A.
Other names: c.3799G>T, p.Gly1267Cys (NM_001424108.1); c.3133G>T, p.Gly1045Cys (NM_001424109.1); c.2953G>T, p.Gly985Cys (NM_001424110.1, NM_001424111.1); c.1933G>T, p.Gly645Cys (NM_001424112.1); c.3658G>T, p.Gly1220Cys (NM_080679.3); c.3721G>T, p.Gly1241Cys (NM_080681.3); short protein forms G1045C, G1220C, G1241C, G1267C, G1327C, G645C, G985C.
Identifiers: ClinVar variation 4887888 (VCV004887888.1).